The following is an entry in ClinVar:

NM_000202.8(IDS):c.708G>A (p.Lys236=)

Genes: IDS (iduronate 2-sulfatase; minus strand), LOC106050102 (IDS recombination region; plus strand). Cytogenetic location: Xq28.
Variant type: single nucleotide variant.
Coding change: c.708G>A on transcript NM_000202.8 (MANE Select); coding-DNA position 708, G replaced by A.
Protein change: p.Lys236=; no amino-acid change (lysine 236 retained).
Molecular consequence: synonymous variant. On other transcripts: non-coding transcript variant (1).
Genome position (GRCh38, 1-based): chrX:149,498,107, C>T on the plus strand (G>A on the coding strand, the complement: IDS is on the minus strand). VCF-style: chrX-149498107-C-T. GRCh37 (hg19) VCF-style: chrX-148579638-C-T.
Other names: NC_000023.10:g.148579638C>T; c.438G>A, p.Lys146= (NM_001166550.4); c.708G>A, p.Lys236= (NM_006123.5).
Identifiers: ClinVar variation 638081 (VCV000638081.6), dbSNP rs1602742620, ClinGen allele CA519058229.

ClinVar aggregate classification (germline): Likely pathogenic. Review status: criteria provided, multiple submitters, no conflicts (2 of 4 stars). 2 submissions from 2 submitters: Likely pathogenic (2). Last evaluated 2024-06-07.

Conditions:
Mucopolysaccharidosis, MPS-II (MPS2). Also called: IDS deficiency; Sulfoiduronate sulfatase deficiency; SIDS deficiency; Mucopolysaccharidosis type 2; Attenuated MPS (subtype; formerly known as mild MPS II); Severe MPS II. Identifiers: Orphanet 580, Orphanet 79388, MedGen C0026705, MONDO:0010674, OMIM 309900.

Submissions (3):

Laboratory of Diagnosis and Therapy of Lysosomal Disorders, University of Padova
Classification: Likely pathogenic for Mucopolysaccharidosis, MPS-II. Last evaluated: 2024-06-07. Review status: criteria provided, single submitter. Criteria: ACMG Guidelines, 2015. Collection method: literature only. Allele origin: germline. Affected: yes. Observed: 5 variant alleles.
Comment: In vitro or in vivo functional studies supportive of a damaging effect (PS3_Moderate), Prevalence of the variant significantly increased in affected individuals compared with controls (PS4_Supporting), Absent from controls (or at low frequency) in gnomAD database (PM2_Moderate), Patient’s phenotype or family history highly specific for the disease (PP4_Moderate)

Classification method: ACMG Guidelines [PMID:25741868] with modifications

Foundation for Research in Genetics and Endocrinology, FRIGE's Institute of Human Genetics
Classification: Likely pathogenic for Mucopolysaccharidosis, MPS-II. Last evaluated: 2021-03-18. Review status: criteria provided, single submitter. Criteria: ACMG Guidelines, 2015. Collection method: clinical testing. Allele origin: germline. Inheritance: X-linked recessive inheritance. Affected: yes. Observed: 1 variant allele, 1 hemizygote.
Comment: A hemizygous missense variation in exon 5 of the IDS gene that results affects the splice site (last base of exon 5) was detected. The observed variant c.708G>A (p.Leu236=) has not been reported in the 1000 genomes and ExAC databases. The in silico prediction of the variant is damaging by MutationTaster2. The reference codon is conserved across species. In summary, the variant meets our criteria to be classified as likely pathogenic.

Dr. Peter K. Rogan Lab, Western University
No classification provided (evidence only). Condition: Nonpapillary renal cell carcinoma. Review status: no classification provided. Collection method: in vitro. Allele origin: not applicable. Functional consequence: retained intron. Not counted in ClinVar's aggregate classification.

Literature cited by the submitters: PubMed 24125893 (cited by Laboratory of Diagnosis and Therapy of Lysosomal Disorders, University of Padova); PubMed 8940265 (cited by Laboratory of Diagnosis and Therapy of Lysosomal Disorders, University of Padova); PubMed 9875019 (cited by Laboratory of Diagnosis and Therapy of Lysosomal Disorders, University of Padova); PubMed 30809705 (cited by Laboratory of Diagnosis and Therapy of Lysosomal Disorders, University of Padova); PubMed 34670126 (cited by Laboratory of Diagnosis and Therapy of Lysosomal Disorders, University of Padova).